The following is an entry in ClinVar:

ClinVar aggregate classification (germline): Uncertain significance (1 of 4 stars; one submission).

Allele frequency attached by ClinVar (database versions not stated): ExAC 0.00001; TOPMed 0.00001.
gnomAD v4.1: 24 of 1,613,928 alleles (0.0015%); highest among the groups gnomAD compares: Non-Finnish European, 0.0019%; no homozygotes.

Submission:

Labcorp Genetics (formerly Invitae), Labcorp
Classification: Uncertain significance. Last evaluated: 2022-02-04. Review status: criteria provided, single submitter. Criteria: Invitae Variant Classification Sherloc (09022015). Collection method: clinical testing. Allele origin: germline.
Comment: In summary, the available evidence is currently insufficient to determine the role of this variant in disease. Therefore, it has been classified as a Variant of Uncertain Significance. Algorithms developed to predict the effect of missense changes on protein structure and function are either unavailable or do not agree on the potential impact of this missense change (SIFT: "Tolerated"; PolyPhen-2: "Possibly Damaging"; Align-GVGD: "Class C0"). ClinVar contains an entry for this variant (Variation ID: 1024329). This variant has not been reported in the literature in individuals affected with SLC24A1-related conditions. This variant is not present in population databases (gnomAD no frequency). This sequence change replaces valine, which is neutral and non-polar, with methionine, which is neutral and non-polar, at codon 465 of the SLC24A1 protein (p.Val465Met).

NM_004727.3(SLC24A1):c.1393G>A (p.Val465Met)

Gene: SLC24A1 (solute carrier family 24 member 1; plus strand). Cytogenetic location: 15q22.31.
Variant type: single nucleotide variant.
Coding change: c.1393G>A on transcript NM_004727.3 (MANE Select); coding-DNA position 1393, G replaced by A.
Protein change: p.Val465Met; replaces valine 465 with methionine.
Molecular consequence: missense variant.
Genome position (GRCh38, 1-based): chr15:65,625,473, G>A. VCF-style: chr15-65625473-G-A. GRCh37 (hg19) VCF-style: chr15-65917811-G-A.
Other names: c.1393G>A, p.Val465Met (NM_001301031.1, NM_001301032.1, NM_001301033.2); short protein forms V465M.
Identifiers: ClinVar variation 1024329 (VCV001024329.9), dbSNP rs774115812, ClinGen allele CA7619896.